The following is an entry in ClinVar:

NM_016038.4(SBDS):c.706G>T (p.Val236Leu)

Gene: SBDS (SBDS ribosome maturation factor; minus strand). Cytogenetic location: 7q11.21.
Variant type: single nucleotide variant.
Coding change: c.706G>T on transcript NM_016038.4 (MANE Select); coding-DNA position 706, G replaced by T.
Protein change: p.Val236Leu; replaces valine 236 with leucine.
Molecular consequence: missense variant.
Genome position (GRCh38, 1-based): chr7:66,988,418, C>A on the plus strand (G>T on the coding strand, the complement: SBDS is on the minus strand). VCF-style: chr7-66988418-C-A. GRCh37 (hg19) VCF-style: chr7-66453405-C-A.
Other names: short protein forms V236L.
Identifiers: ClinVar variation 3950303 (VCV003950303.1).

ClinVar aggregate classification (germline): Uncertain significance (1 of 4 stars; one submission).

Conditions:
Inborn genetic diseases. Identifiers: MedGen C0950123, MeSH D030342.

gnomAD v4.1: 2 of 1,613,858 alleles (0.00012%); highest among the groups gnomAD compares: Non-Finnish European, 0.00017%; no homozygotes.

Submission:

Ambry Genetics
Classification: Uncertain significance for Inborn genetic diseases. Last evaluated: 2025-03-31. Review status: criteria provided, single submitter. Criteria: Ambry Variant Classification Scheme 2023. Collection method: clinical testing. Allele origin: germline.
Comment: The p.V236L variant (also known as c.706G>T), located in coding exon 5 of the SBDS gene, results from a G to T substitution at nucleotide position 706. The valine at codon 236 is replaced by leucine, an amino acid with highly similar properties. This amino acid position is conserved. In addition, this alteration is predicted to be deleterious by in silico analysis. Based on the available evidence, the clinical significance of this variant remains unclear.